The following is an entry in ClinVar:

NM_004415.4(DSP):c.809G>A (p.Arg270Gln)

Gene: DSP (desmoplakin; plus strand). Cytogenetic location: 6p24.3.
Variant type: single nucleotide variant.
Coding change: c.809G>A on transcript NM_004415.4 (MANE Select); coding-DNA position 809, G replaced by A.
Protein change: p.Arg270Gln; replaces arginine 270 with glutamine.
Molecular consequence: missense variant.
Genome position (GRCh38, 1-based): chr6:7,565,390, G>A. VCF-style: chr6-7565390-G-A. GRCh37 (hg19) VCF-style: chr6-7565623-G-A.
Other names: c.809G>A, p.Arg270Gln (NM_001008844.3, NM_001319034.2); short protein forms R270Q.
Identifiers: ClinVar variation 919989 (VCV000919989.13), dbSNP rs1203795810, ClinGen allele CA362674081.
Genomic context (GRCh38, chr6:7,565,390, plus strand): 5'-TTAATGCTGCCTTTGAACCTCCTGTGCAGAAAGCGTCCTTTGAGAGGATGGATCACCTGC[G>A]ACAGCTGCAGAACATCATTCAGGCCACGTCCAGGGAGATCATGTGGATCAATGACTGCGA-3'
Protein context (NP_004406.2, residues 260-280): KASFERMDHL[Arg270Gln]QLQNIIQATS

ClinVar aggregate classification (germline): Conflicting classifications of pathogenicity. Review status: criteria provided, conflicting classifications (1 of 4 stars). 5 submissions from 5 submitters: Uncertain significance (4); Likely benign (1). Last evaluated 2025-01-02.

Conditions:
Cardiomyopathy (CMYO). Also called: Cardiomyopathies. Identifiers: Orphanet 167848, MedGen C0878544, MONDO:0004994, HP:0001638. Inheritance: Various modes of inheritance.
Arrhythmogenic cardiomyopathy with wooly hair and keratoderma. Also called: Carvajal syndrome; PALMOPLANTAR KERATODERMA WITH LEFT VENTRICULAR CARDIOMYOPATHY AND WOOLLY HAIR; Dilated cardiomyopathy with woolly hair and keratoderma; Arrhythmogenic cardiomyopathy with woolly hair and keratoderma. Identifiers: Orphanet 65282, MedGen C1854063, MONDO:0011581, OMIM 605676.
Arrhythmogenic right ventricular dysplasia 8 (ARVD8). Also called: Arrhythmogenic Right Ventricular Dysplasia/Cardiomyopathy 8; ARRHYTHMOGENIC RIGHT VENTRICULAR DYSPLASIA, FAMILIAL, 8; ARRHYTHMOGENIC RIGHT VENTRICULAR CARDIOMYOPATHY 8. Identifiers: MedGen C1843896, MONDO:0011831, OMIM 607450.
Cardiovascular phenotype. Identifiers: MedGen CN230736.

Allele frequency attached by ClinVar (database versions not stated): gnomAD exomes below 0.00001 and 0.00002; TOPMed below 0.00001; gnomAD 0.00001.
gnomAD v4.1: 23 of 1,613,936 alleles (0.0014%); highest among the groups gnomAD compares: East Asian, 0.011%; no homozygotes.

Submissions (5):

Labcorp Genetics (formerly Invitae), Labcorp
Classification: Likely benign for Arrhythmogenic cardiomyopathy with wooly hair and keratoderma; Arrhythmogenic right ventricular dysplasia 8. Last evaluated: 2025-01-02. Review status: criteria provided, single submitter. Criteria: Invitae Variant Classification Sherloc (09022015). Collection method: clinical testing. Allele origin: germline.

All of Us Research Program, National Institutes of Health
Classification: Uncertain significance for Arrhythmogenic cardiomyopathy with wooly hair and keratoderma. Last evaluated: 2024-09-23. Review status: criteria provided, single submitter. Criteria: ACMG Guidelines, 2015. Collection method: clinical testing. Allele origin: germline. Inheritance: Autosomal dominant inheritance. Observed: 2 variant alleles, 2 heterozygotes.
Comment: This study involves interpretation of variants in research participants for the purpose of population health screening. Participant phenotype was not available at the time of variant classification. Additional details can be found in publication PMID: 35346344, PMCID: PMC8962531

Color Diagnostics, LLC DBA Color Health
Classification: Uncertain significance for Cardiomyopathy. Last evaluated: 2023-12-05. Review status: criteria provided, single submitter. Criteria: ACMG Guidelines, 2015. Collection method: clinical testing. Allele origin: germline.
Comment: This missense variant replaces arginine with glutamine at codon 270 of the DSP protein. Computational prediction tools and conservation analyses are inconclusive regarding the impact of this variant on the protein function. Computational splicing tools suggest that this variant may not impact RNA splicing. To our knowledge, functional assays have not been performed for this variant nor has this variant been reported in individuals affected with cardiovascular disorders in the literature. This variant has been identified in 2/282698 chromosomes in the general population by the Genome Aggregation Database (gnomAD). Available evidence is insufficient to determine the role of this variant in disease conclusively. Therefore, this variant is classified as a Variant of Uncertain Significance.

Ambry Genetics
Classification: Uncertain significance for Cardiovascular phenotype. Last evaluated: 2021-08-02. Review status: criteria provided, single submitter. Criteria: Ambry Variant Classification Scheme 2023. Collection method: clinical testing. Allele origin: germline.
Comment: The p.R270Q variant (also known as c.809G>A), located in coding exon 7 of the DSP gene, results from a G to A substitution at nucleotide position 809. The arginine at codon 270 is replaced by glutamine, an amino acid with highly similar properties. This amino acid position is conserved. In addition, the in silico prediction for this alteration is inconclusive. Since supporting evidence is limited at this time, the clinical significance of this alteration remains unclear.

Blueprint Genetics
Classification: Uncertain significance. Last evaluated: 2019-03-04. Review status: criteria provided, single submitter. Criteria: ACMG Guidelines, 2015. Collection method: clinical testing. Allele origin: germline.